The following is an entry in ClinVar:

NM_006231.4(POLE):c.113G>A (p.Ser38Asn)

Gene: POLE (DNA polymerase epsilon, catalytic subunit; minus strand). Cytogenetic location: 12q24.33.
Variant type: single nucleotide variant.
Coding change: c.113G>A on transcript NM_006231.4 (MANE Select); coding-DNA position 113, G replaced by A.
Protein change: p.Ser38Asn; replaces serine 38 with asparagine.
Molecular consequence: missense variant.
Genome position (GRCh38, 1-based): chr12:132,681,229, C>T on the plus strand (G>A on the coding strand, the complement: POLE is on the minus strand). VCF-style: chr12-132681229-C-T. GRCh37 (hg19) VCF-style: chr12-133257815-C-T.
Other names: c.113G>A (NM_006231.2); short protein forms S38N.
Identifiers: ClinVar variation 405819 (VCV000405819.16), dbSNP rs141424313, ClinGen allele CA6894441.

ClinVar aggregate classification (germline): Conflicting classifications of pathogenicity. Review status: criteria provided, conflicting classifications (1 of 4 stars). 3 submissions from 3 submitters: Uncertain significance (2); Likely benign (1). Last evaluated 2025-12-15.

Conditions:
Hereditary cancer-predisposing syndrome. Also called: Hereditary Cancer Syndrome; Hereditary neoplastic syndrome; Neoplastic Syndromes, Hereditary; Tumor predisposition. Identifiers: Orphanet 140162, MedGen C0027672, MeSH D009386, MONDO:0015356.

Allele frequency attached by ClinVar (database versions not stated): gnomAD exomes 0.00003 and 0.00006; ExAC 0.00005; TOPMed 0.00007; ESP Exome Variant Server 0.00008; gnomAD 0.00011; 1000 Genomes Project 30x 0.00016; 1000 Genomes Project 0.00020.
gnomAD v4.1: 55 of 1,614,246 alleles (0.0034%); highest among the groups gnomAD compares: South Asian, 0.033%; no homozygotes.

Submissions (3):

Labcorp Genetics (formerly Invitae), Labcorp
Classification: Uncertain significance. Last evaluated: 2025-12-15. Review status: criteria provided, single submitter. Criteria: Invitae Variant Classification Sherloc (09022015). Collection method: clinical testing. Allele origin: germline.
Comment: This sequence change replaces serine, which is neutral and polar, with asparagine, which is neutral and polar, at codon 38 of the POLE protein (p.Ser38Asn). This variant is present in population databases (rs141424313, gnomAD 0.04%). This variant has not been reported in the literature in individuals affected with POLE-related conditions. ClinVar contains an entry for this variant (Variation ID: 405819). Invitae Evidence Modeling of protein sequence and biophysical properties (such as structural, functional, and spatial information, amino acid conservation, physicochemical variation, residue mobility, and thermodynamic stability) indicates that this missense variant is not expected to disrupt POLE protein function with a negative predictive value of 80%. In summary, the available evidence is currently insufficient to determine the role of this variant in disease. Therefore, it has been classified as a Variant of Uncertain Significance.

Ambry Genetics
Classification: Likely benign for Hereditary cancer-predisposing syndrome. Last evaluated: 2024-10-17. Review status: criteria provided, single submitter. Criteria: Ambry Variant Classification Scheme 2023. Collection method: clinical testing. Allele origin: germline.

GeneDx
Classification: Uncertain significance. Last evaluated: 2024-02-06. Review status: criteria provided, single submitter. Criteria: GeneDx Variant Classification Process June 2021. Collection method: clinical testing. Allele origin: germline. Affected: yes.
Comment: In silico analysis supports that this missense variant does not alter protein structure/function; Has not been previously published as pathogenic or benign to our knowledge